The following is an entry in ClinVar:

ClinVar aggregate classification (germline): Conflicting classifications of pathogenicity. Review status: criteria provided, conflicting classifications (1 of 4 stars). 2 submissions from 2 submitters: Likely pathogenic (1); Uncertain significance (1). Last evaluated 2024-09-24.

Conditions:
Myopathy. Identifiers: MedGen C0026848, MeSH D009135, MONDO:0005336, HP:0003198.
Hypertrophic cardiomyopathy. Also called: HYPERTROPHIC MYOCARDIOPATHY. Identifiers: Orphanet 217569, MedGen C0007194, MeSH D002312, MONDO:0005045, HP:0001639.

Submissions (2):

Labcorp Genetics (formerly Invitae), Labcorp
Classification: Uncertain significance for Hypertrophic cardiomyopathy. Last evaluated: 2024-09-24. Review status: criteria provided, single submitter. Criteria: Invitae Variant Classification Sherloc (09022015). Collection method: clinical testing. Allele origin: germline.
Comment: This sequence change replaces leucine, which is neutral and non-polar, with proline, which is neutral and non-polar, at codon 1629 of the MYH7 protein (p.Leu1629Pro). This variant is not present in population databases (gnomAD no frequency). This variant has not been reported in the literature in individuals affected with MYH7-related conditions. ClinVar contains an entry for this variant (Variation ID: 211558). Invitae Evidence Modeling of protein sequence and biophysical properties (such as structural, functional, and spatial information, amino acid conservation, physicochemical variation, residue mobility, and thermodynamic stability) indicates that this missense variant is expected to disrupt MYH7 protein function with a positive predictive value of 95%. In summary, the available evidence is currently insufficient to determine the role of this variant in disease. Therefore, it has been classified as a Variant of Uncertain Significance.

Genetic Services Laboratory, University of Chicago
Classification: Likely pathogenic for Myopathy. Last evaluated: 2015-01-02. Review status: criteria provided, single submitter. Criteria: ACMG Guidelines, 2015. Collection method: clinical testing. Allele origin: germline. Affected: yes.

NM_000257.4(MYH7):c.4886T>C (p.Leu1629Pro)

Genes: MHRT (myosin heavy chain associated RNA transcript; plus strand), MYH7 (myosin heavy chain 7; minus strand), LOC126861897 (BRD4-independent group 4 enhancer GRCh37_chr14:23884455-23885654; plus strand). Cytogenetic location: 14q11.2.
Variant type: single nucleotide variant.
Coding change: c.4886T>C on transcript NM_000257.4 (MANE Select); coding-DNA position 4886, T replaced by C.
Protein change: p.Leu1629Pro; replaces leucine 1629 with proline.
Molecular consequence: missense variant. On other transcripts: non-coding transcript variant (1).
Genome position (GRCh38, 1-based): chr14:23,416,071, A>G on the plus strand (T>C on the coding strand, the complement: MYH7 is on the minus strand). VCF-style: chr14-23416071-A-G. GRCh37 (hg19) VCF-style: chr14-23885280-A-G.
Other names: c.4886T>C (LRG_384t1); short protein forms L1629P.
Identifiers: ClinVar variation 211558 (VCV000211558.8), dbSNP rs797045730, ClinGen allele CA207077.